The following is an entry in ClinVar:

NM_023110.3(FGFR1):c.355dup (p.Ser119fs)

Gene: FGFR1 (fibroblast growth factor receptor 1; minus strand). Cytogenetic location: 8p11.23.
Variant type: Duplication.
Coding change: c.355dup on transcript NM_023110.3 (MANE Select); coding-DNA position 355, one base duplicated (T; older notation c.355dupT).
Protein change: p.Ser119fs; shifts the reading frame from serine 119.
Molecular consequence: frameshift variant. On other transcripts: intron variant (5).
Genome position (GRCh38, 1-based): chr8:38,429,685, A duplicated on the plus strand (T on the coding strand, the reverse complement: FGFR1 is on the minus strand); the first of 3 consecutive A bases (chr8:38,429,685-38,429,687); duplicating any one gives the same sequence. VCF-style (leftmost placement, unchanged base first): chr8-38429684-G-GA. GRCh37 (hg19) VCF-style: chr8-38287202-G-GA.
Other names: c.353dup, p.Ser119Phefs (NM_000604.2); c.355dup, p.Ser119fs (NM_001174063.2, NM_001174065.2, NM_001354367.2 and 3 more transcripts); c.331dup, p.Ser111fs (NM_001174064.2); c.454dup, p.Ser152fs (NM_001174067.2); c.92-1250dup (NM_001354368.2, NM_001354370.2, NM_023106.3 and 2 more transcripts); c.355dup (NM_023110.2); short protein forms S111fs, S119fs, S152fs.
Identifiers: ClinVar variation 2505375 (VCV002505375.1), dbSNP rs2537257570, ClinGen allele CA2580614332.

ClinVar aggregate classification (germline): Pathogenic (1 of 4 stars; one submission).

Conditions:
Hypogonadotropic hypogonadism 2 with or without anosmia (HH2). Also called: FGFR1-Related GnRH Deficiency (Kallmann Syndrome 2); HYPOGONADOTROPIC HYPOGONADISM 2 WITHOUT ANOSMIA; HYPOGONADOTROPIC HYPOGONADISM 2 WITH OR WITHOUT ANOSMIA, SUSCEPTIBILITY TO; HYPOGONADOTROPIC HYPOGONADISM 2 WITHOUT ANOSMIA, SUSCEPTIBILITY TO. Identifiers: Orphanet 478, MedGen C1563720, MONDO:0007844, OMIM 147950. Disease mechanism: loss of function.

Submission:

Reproductive Endocrine Unit, Massachusetts General Hospital
Classification: Pathogenic for Hypogonadotropic hypogonadism 2 with or without anosmia. Last evaluated: 2023-05-04. Review status: criteria provided, single submitter. Criteria: ACMG Guidelines, 2015. Collection method: research. Allele origin: unknown. Affected: yes. Observed: 1 variant allele.
Comment: The variant NM_023110.2:c.355dup, p.(Ser119Phefs*10) het has been classified as P1c based on the variant meeting the following ACMG Criteria: PVS1,PM2,PP3.